The following is an entry in ClinVar:

ClinVar aggregate classification (germline): Uncertain significance (1 of 4 stars; one submission).

Submission:

Labcorp Genetics (formerly Invitae), Labcorp
Classification: Uncertain significance. Last evaluated: 2025-12-03. Review status: criteria provided, single submitter. Criteria: Invitae Variant Classification Sherloc (09022015). Collection method: clinical testing. Allele origin: germline.
Comment: This sequence change replaces histidine, which is basic and polar, with tyrosine, which is neutral and polar, at codon 209 of the RHBDF2 protein (p.His209Tyr). The frequency data for this variant in the population databases is considered unreliable, as metrics indicate poor data quality at this position in the gnomAD database. This variant has not been reported in the literature in individuals affected with RHBDF2-related conditions. ClinVar contains an entry for this variant (Variation ID: 3688115). An algorithm developed to predict the effect of missense changes on protein structure and function (PolyPhen-2) suggests that this variant is likely to be tolerated. In summary, the available evidence is currently insufficient to determine the role of this variant in disease. Therefore, it has been classified as a Variant of Uncertain Significance.

NM_001005498.4(RHBDF2):c.538C>T (p.His180Tyr)

Gene: RHBDF2 (rhomboid 5 homolog 2; minus strand). Cytogenetic location: 17q25.1.
Variant type: single nucleotide variant.
Coding change: c.538C>T on transcript NM_001005498.4 (MANE Select); coding-DNA position 538, C replaced by T.
Protein change: p.His180Tyr; replaces histidine 180 with tyrosine.
Molecular consequence: missense variant. On other transcripts: non-coding transcript variant (3).
Genome position (GRCh38, 1-based): chr17:76,478,940, G>A on the plus strand (C>T on the coding strand, the complement: RHBDF2 is on the minus strand). VCF-style: chr17-76478940-G-A. GRCh37 (hg19) VCF-style: chr17-74475022-G-A.
Other names: c.538C>T, p.His180Tyr (NM_001376228.1, NM_001376229.1, NM_001376230.1); c.625C>T, p.His209Tyr (NM_024599.5); short protein forms H209Y, H180Y.
Identifiers: ClinVar variation 3688115 (VCV003688115.2).